The following is an entry in ClinVar:

NM_003664.5(AP3B1):c.38G>C (p.Gly13Ala)

Gene: AP3B1 (adaptor related protein complex 3 subunit beta 1; minus strand). Cytogenetic location: 5q14.1.
Variant type: single nucleotide variant.
Coding change: c.38G>C on transcript NM_003664.5 (MANE Select); coding-DNA position 38, G replaced by C.
Protein change: p.Gly13Ala; replaces glycine 13 with alanine.
Molecular consequence: missense variant. On other transcripts: 5 prime UTR variant (1).
Genome position (GRCh38, 1-based): chr5:78,294,542, C>G on the plus strand (G>C on the coding strand, the complement: AP3B1 is on the minus strand). VCF-style: chr5-78294542-C-G. GRCh37 (hg19) VCF-style: chr5-77590366-C-G.
Other names: c.-122G>C (NM_001271769.2); c.38G>C (NM_003664.3); short protein forms G13A.
Identifiers: ClinVar variation 642521 (VCV000642521.8), dbSNP rs139760966, ClinGen allele CA3317478.

ClinVar aggregate classification (germline): Uncertain significance. Review status: criteria provided, multiple submitters, no conflicts (2 of 4 stars). 3 submissions from 3 submitters: Uncertain significance (3). Last evaluated 2026-09-01.

Conditions:
Hermansky-Pudlak syndrome 2 (HPS2). Also called: Platelet defects and oculocutaneous albinism. Identifiers: Orphanet 183678, Orphanet 79430, MedGen C1842362, MONDO:0011997, OMIM 608233.
Inborn genetic diseases. Identifiers: MedGen C0950123, MeSH D030342.
AP3B1-related disorder. Also called: AP3B1-related condition.

Allele frequency attached by ClinVar (database versions not stated): 1000 Genomes Project 0.00120; ExAC 0.00017; TOPMed 0.00033; gnomAD 0.00039 and 0.00040; ESP Exome Variant Server 0.00046; 1000 Genomes Project 30x 0.00109.
gnomAD v4.1: 101 of 1,614,246 alleles (0.0063%); highest among the groups gnomAD compares: African/African-American, 0.12%; no homozygotes.

Submissions (3):

PreventionGenetics, part of Exact Sciences
Classification: Uncertain significance for AP3B1-related condition. Last evaluated: 2026-09-01. Review status: criteria provided, single submitter. Criteria: ACMG Guidelines, 2015. Collection method: clinical testing. Allele origin: germline.
Comment: The AP3B1 c.38G>C variant is predicted to result in the amino acid substitution p.Gly13Ala. To our knowledge, this variant has not been reported in the literature. This variant is reported in 0.13% of alleles in individuals of African descent in gnomAD and is interpreted as uncertain in ClinVar. Although we suspect that this variant may be benign, at this time, the clinical significance of this variant is uncertain due to the absence of conclusive functional and genetic evidence.

Ambry Genetics
Classification: Uncertain significance for Inborn genetic diseases. Last evaluated: 2025-09-21. Review status: criteria provided, single submitter. Criteria: Ambry Variant Classification Scheme 2023. Collection method: clinical testing. Allele origin: germline.

Labcorp Genetics (formerly Invitae), Labcorp
Classification: Uncertain significance for Hermansky-Pudlak syndrome 2. Last evaluated: 2022-07-12. Review status: criteria provided, single submitter. Criteria: Invitae Variant Classification Sherloc (09022015). Collection method: clinical testing. Allele origin: germline.
Comment: This sequence change replaces glycine, which is neutral and non-polar, with alanine, which is neutral and non-polar, at codon 13 of the AP3B1 protein (p.Gly13Ala). This variant is present in population databases (rs139760966, gnomAD 0.1%). This variant has not been reported in the literature in individuals affected with AP3B1-related conditions. ClinVar contains an entry for this variant (Variation ID: 642521). Algorithms developed to predict the effect of missense changes on protein structure and function output the following: SIFT: "Tolerated"; PolyPhen-2: "Benign"; Align-GVGD: "Class C0". The alanine amino acid residue is found in multiple mammalian species, which suggests that this missense change does not adversely affect protein function. In summary, the available evidence is currently insufficient to determine the role of this variant in disease. Therefore, it has been classified as a Variant of Uncertain Significance.